The following is an entry in ClinVar:

ClinVar aggregate classification (germline): Uncertain significance (1 of 4 stars; one submission).

Allele frequency attached by ClinVar (database versions not stated): gnomAD exomes below 0.00001; TOPMed below 0.00001.

Submission:

GeneDx
Classification: Uncertain significance. Last evaluated: 2023-03-06. Review status: criteria provided, single submitter. Criteria: GeneDx Variant Classification Process June 2021. Collection method: clinical testing. Allele origin: germline. Affected: yes.
Comment: Not observed at significant frequency in large population cohorts (gnomAD); Frameshift variant predicted to result in protein truncation or nonsense mediated decay in a gene or region of a gene for which loss of function is not a well-established mechanism of disease; Has not been previously published as pathogenic or benign to our knowledge

NM_000742.4(CHRNA2):c.411del (p.Glu138fs)

Gene: CHRNA2 (cholinergic receptor nicotinic alpha 2 subunit; minus strand). Cytogenetic location: 8p21.2.
Variant type: Deletion.
Coding change: c.411del on transcript NM_000742.4 (MANE Select); coding-DNA position 411, one base deleted (T; older notation c.411delT).
Protein change: p.Glu138fs; shifts the reading frame from glutamic acid 138.
Molecular consequence: frameshift variant. On other transcripts: 5 prime UTR variant (4).
Genome position (GRCh38, 1-based): chr8:27,467,267, A deleted on the plus strand (T on the coding strand, the reverse complement: CHRNA2 is on the minus strand). VCF-style (leftmost placement, unchanged base first): chr8-27467266-CA-C. GRCh37 (hg19) VCF-style: chr8-27324783-CA-C.
Other names: c.366del, p.Glu123fs (NM_001282455.2); c.-62del (NM_001347705.2, NM_001347706.2); c.-48del (NM_001347707.2); c.-51del (NM_001347708.2); short protein forms E123fs, E138fs.
Identifiers: ClinVar variation 2579578 (VCV002579578.1), dbSNP rs1471962657, ClinGen allele CA580668098.